The following is an entry in ClinVar:

NM_001371727.1(GABRB2):c.235A>T (p.Met79Leu)

Gene: GABRB2 (gamma-aminobutyric acid type A receptor subunit beta2; minus strand). Cytogenetic location: 5q34.
Variant type: single nucleotide variant.
Coding change: c.235A>T on transcript NM_001371727.1 (MANE Select); coding-DNA position 235, A replaced by T.
Protein change: p.Met79Leu; replaces methionine 79 with leucine.
Molecular consequence: missense variant.
Genome position (GRCh38, 1-based): chr5:161,545,229, T>A on the plus strand (A>T on the coding strand, the complement: GABRB2 is on the minus strand). VCF-style: chr5-161545229-T-A. GRCh37 (hg19) VCF-style: chr5-160972235-T-A.
Other names: c.235A>T, p.Met79Leu (NM_000813.3, NM_021911.3); short protein forms M79L.
Identifiers: ClinVar variation 2836525 (VCV002836525.4), dbSNP rs2480166579, ClinGen allele CA362172366.
Genomic context (GRCh38, chr5:161,545,229, plus strand): 5'-TCCTTCCTGTCCCCAAACGAAAGTTTGCAAAGAAGTAGTCATAAATGTCAATACTCACCA[T>A]ATTGACTTCAGAAACCATATCGATGCTGGCAATGTCAATGTTCATCCCCACAGCCACGGG-3'
Protein context (NP_001358656.1, residues 69-89): ASIDMVSEVN[Met79Leu]DYTLTMYFQQ

ClinVar aggregate classification (germline): Conflicting classifications of pathogenicity. Review status: criteria provided, conflicting classifications (1 of 4 stars). 2 submissions from 2 submitters: Likely pathogenic (1); Uncertain significance (1). Last evaluated 2026-03-06.

Conditions:
Developmental and epileptic encephalopathy 92. Also called: EPILEPTIC ENCEPHALOPATHY, INFANTILE OR EARLY CHILDHOOD, 2. Identifiers: MedGen C4693362, MONDO:0020631, OMIM 617829.
Intellectual disability. Also called: Intellectual functioning disability; intellectual disabilities; Intellectual developmental disorder. Identifiers: MedGen C3714756, MeSH D008607, MONDO:0001071, HP:0001249.

Submissions (2):

Clinical Genomic Analysis (GENYSIS) Core, University of North Carolina at Chapel Hill
Classification: Likely pathogenic for Developmental and epileptic encephalopathy 92. Last evaluated: 2026-03-06. Review status: criteria provided, single submitter. Criteria: ACMG Guidelines, 2015. Collection method: research. Allele origin: de novo. Affected: yes. Observed: 1 variant allele, 1 heterozygote. Study: UNC Genetic Determinants of Neurological and Developmental Disorders (GDNDD) Study.
Comment: GABRB2 c.235A>T, p.(Met79Leu), is a missense variant in exon 3 of 10 that changes a single amino acid from a highly conserved methionine to a leucine. This variant has not previously been reported in the literature but is not present in control individuals in gnomADv4.1 and is predicted by in silico tools to have a damaging effect on protein function. In addition, a different variant that results in a methionine to threonine change at the same amino acid position, c.236T>C; p.(Met79Thr), has been reported as Pathogenic in ClinVar (Accession: VCV000161444.2) as it has been identified de novo in at least two individuals with early-onset epilepsy, developmental delay, and intellectual disability. Based on the available evidence, the de novo c.235A>T p.(Met79Leu), variant is classified as likely pathogenic. ACMG codes: PS2 (confirmed de novo), PM5 (p.Met79Thr is also pathogenic), PM2_supporting (absent from gnomAD), PP3 (REVEL score between 0.644 and 0.773)

Labcorp Genetics (formerly Invitae), Labcorp
Classification: Uncertain significance for Intellectual disability. Last evaluated: 2023-02-11. Review status: criteria provided, single submitter. Criteria: Invitae Variant Classification Sherloc (09022015). Collection method: clinical testing. Allele origin: germline.
Comment: This sequence change replaces methionine, which is neutral and non-polar, with leucine, which is neutral and non-polar, at codon 79 of the GABRB2 protein (p.Met79Leu). This variant is not present in population databases (gnomAD no frequency). This missense change has been observed in individual(s) with clinical features GABRB2-conditions (Invitae). Algorithms developed to predict the effect of missense changes on protein structure and function are either unavailable or do not agree on the potential impact of this missense change (SIFT: "Deleterious"; PolyPhen-2: "Benign"; Align-GVGD: "Class C0"). This variant disrupts the p.Met79 amino acid residue in GABRB2. Other variant(s) that disrupt this residue have been determined to be pathogenic (PMID: 25124326, 29100083). This suggests that this residue is clinically significant, and that variants that disrupt this residue are likely to be disease-causing. In summary, the available evidence is currently insufficient to determine the role of this variant in disease. Therefore, it has been classified as a Variant of Uncertain Significance.

Literature cited by the submitters: PubMed 25124326 (cited by Labcorp Genetics (formerly Invitae), Labcorp); PubMed 29100083 (cited by Labcorp Genetics (formerly Invitae), Labcorp).